The following is an entry in ClinVar:

ClinVar aggregate classification (germline): Conflicting classifications of pathogenicity. Review status: criteria provided, conflicting classifications (1 of 4 stars). 3 submissions from 3 submitters: Uncertain significance (2); Likely benign (1). Last evaluated 2026-04-01.

Conditions:
Early-infantile DEE. Also called: Ohtahara syndrome; Early infantile epileptic encephalopathy; Early infantile epileptic encephalopathy with suppression bursts. Identifiers: Orphanet 1934, MedGen C0393706, MONDO:0800491.

Allele frequency attached by ClinVar (database versions not stated): ExAC 0.00004; TOPMed 0.00004; gnomAD 0.00005 and 0.00006; gnomAD exomes 0.00002 and 0.00003.
gnomAD v4.1: 37 of 1,605,984 alleles (0.0023%); highest among the groups gnomAD compares: African/African-American, 0.0093%; no homozygotes.

Submissions (4):

CeGaT Center for Human Genetics Tuebingen
Classification: Uncertain significance. Last evaluated: 2026-04-01. Review status: criteria provided, single submitter. Criteria: CeGaT Center For Human Genetics Tuebingen Variant Classification Criteria Version 2. Collection method: clinical testing. Allele origin: germline. Affected: yes. Observed: 5 variant alleles.

Labcorp Genetics (formerly Invitae), Labcorp
Classification: Uncertain significance for Early-infantile DEE. Last evaluated: 2024-10-05. Review status: criteria provided, single submitter. Criteria: Invitae Variant Classification Sherloc (09022015). Collection method: clinical testing. Allele origin: germline.
Comment: This sequence change replaces glycine, which is neutral and non-polar, with serine, which is neutral and polar, at codon 858 of the KCNQ2 protein (p.Gly858Ser). This variant is present in population databases (rs756609768, gnomAD 0.008%). This variant has not been reported in the literature in individuals affected with KCNQ2-related conditions. ClinVar contains an entry for this variant (Variation ID: 205937). An algorithm developed to predict the effect of missense changes on protein structure and function outputs the following: PolyPhen-2: "Possibly Damaging". The serine amino acid residue is found in multiple mammalian species, which suggests that this missense change does not adversely affect protein function. Experimental studies have shown that this missense change affects KCNQ2 function (PMID: 35104249). In summary, the available evidence is currently insufficient to determine the role of this variant in disease. Therefore, it has been classified as a Variant of Uncertain Significance.

GeneDx
Classification: Likely benign. Last evaluated: 2020-08-28. Review status: criteria provided, single submitter. Criteria: GeneDx Variant Classification Process June 2021. Collection method: clinical testing. Allele origin: germline. Affected: yes.

Channelopathy-Associated Epilepsy Research Center
No classification provided (evidence only). Condition: Complex neurodevelopmental disorder. Review status: no classification provided. Collection method: literature only. Allele origin: not applicable. Functional consequence: Normal peak current, Mild slowing of activation, Normal voltage dependence of activation. Not counted in ClinVar's aggregate classification.
ClinVar note: "not provided" was previously submitted as the classification for the variant. However, the classification appeared to be based only on an observation of functional data so it was converted to no classification on 2025-07-30.

Literature cited by the submitters: PubMed 35104249 (cited by Labcorp Genetics (formerly Invitae), Labcorp and Channelopathy-Associated Epilepsy Research Center).

NM_172107.4(KCNQ2):c.2572G>A (p.Gly858Ser)

Gene: KCNQ2 (potassium voltage-gated channel subfamily Q member 2; minus strand). Cytogenetic location: 20q13.33.
Variant type: single nucleotide variant.
Coding change: c.2572G>A on transcript NM_172107.4 (MANE Select); coding-DNA position 2572, G replaced by A.
Protein change: p.Gly858Ser; replaces glycine 858 with serine.
Molecular consequence: missense variant.
Genome position (GRCh38, 1-based): chr20:63,406,691, C>T on the plus strand (G>A on the coding strand, the complement: KCNQ2 is on the minus strand). VCF-style: chr20-63406691-C-T. GRCh37 (hg19) VCF-style: chr20-62038044-C-T.
Other names: p.G858S:GGC>AGC; c.2488G>A, p.Gly830Ser (NM_004518.6); c.2518G>A, p.Gly840Ser (NM_172106.3); c.2479G>A, p.Gly827Ser (NM_172108.5); short protein forms G858S, G830S, G827S, G840S.
Identifiers: ClinVar variation 205937 (VCV000205937.56), dbSNP rs756609768, ClinGen allele CA090956.